The following is an entry in ClinVar:

ClinVar aggregate classification (germline): Uncertain significance (1 of 4 stars; one submission).

Allele frequency attached by ClinVar (database versions not stated): gnomAD exomes 0.00001.

Submission:

Labcorp Genetics (formerly Invitae), Labcorp
Classification: Uncertain significance. Last evaluated: 2024-10-16. Review status: criteria provided, single submitter. Criteria: Invitae Variant Classification Sherloc (09022015). Collection method: clinical testing. Allele origin: germline.
Comment: This sequence change replaces arginine, which is basic and polar, with tryptophan, which is neutral and slightly polar, at codon 140 of the FGF23 protein (p.Arg140Trp). This variant is present in population databases (no rsID available, gnomAD 0.002%). This variant has not been reported in the literature in individuals affected with FGF23-related conditions. ClinVar contains an entry for this variant (Variation ID: 2108702). Invitae Evidence Modeling of protein sequence and biophysical properties (such as structural, functional, and spatial information, amino acid conservation, physicochemical variation, residue mobility, and thermodynamic stability) has been performed for this missense variant. However, the output from this modeling did not meet the statistical confidence thresholds required to predict the impact of this variant on FGF23 protein function. In summary, the available evidence is currently insufficient to determine the role of this variant in disease. Therefore, it has been classified as a Variant of Uncertain Significance.

NM_020638.3(FGF23):c.418C>T (p.Arg140Trp)

Gene: FGF23 (fibroblast growth factor 23; minus strand). Cytogenetic location: 12p13.32.
Variant type: single nucleotide variant.
Coding change: c.418C>T on transcript NM_020638.3 (MANE Select); coding-DNA position 418, C replaced by T.
Protein change: p.Arg140Trp; replaces arginine 140 with tryptophan.
Molecular consequence: missense variant.
Genome position (GRCh38, 1-based): chr12:4,370,681, G>A on the plus strand (C>T on the coding strand, the complement: FGF23 is on the minus strand). VCF-style: chr12-4370681-G-A. GRCh37 (hg19) VCF-style: chr12-4479847-G-A.
Other names: short protein forms R140W.
Identifiers: ClinVar variation 2108702 (VCV002108702.4), dbSNP rs1384170096, ClinGen allele CA383416330.
Genomic context (GRCh38, chr12:4,370,681, plus strand): 5'-GGGACAGGAACTGGGAGTACGGGGGTGGGTTCATGCCTGGCAGGAAGGCTCTCTTCGCCC[G>A]GCCCAGACTGACCAGGAAGTGATACTGAGGAGAGTGGTAGACGTCGTACCCGTTTTCCAG-3'
Protein context (NP_065689.1, residues 130-150): PQYHFLVSLG[Arg140Trp]AKRAFLPGMN